The following is an entry in ClinVar:

ClinVar aggregate classification (germline): Pathogenic. Review status: criteria provided, single submitter (1 of 4 stars). 2 submissions from 2 submitters: Pathogenic (1). 1 of the submissions does not count toward it. Last evaluated 2025-09-26.

Conditions:
Hereditary cancer-predisposing syndrome. Also called: Hereditary Cancer Syndrome; Hereditary neoplastic syndrome; Neoplastic Syndromes, Hereditary; Tumor predisposition. Identifiers: Orphanet 140162, MedGen C0027672, MeSH D009386, MONDO:0015356.
Familial cancer of breast. Also called: hereditary breast carcinoma; BREAST CANCER, FAMILIAL; Hereditary breast cancer. Identifiers: Orphanet 227535, MedGen C0346153, MONDO:0016419, OMIM 114480. Disease mechanism: loss of function.

Submissions (3):

Ambry Genetics
Classification: Pathogenic for Hereditary cancer-predisposing syndrome. Last evaluated: 2025-09-26. Review status: criteria provided, single submitter. Criteria: Ambry Variant Classification Scheme 2023. Collection method: clinical testing. Allele origin: germline.
Comment: The c.5277+1G>C intronic pathogenic mutation results from a G to C substitution one nucleotide after coding exon 18 of the BRCA1 gene. Alterations that disrupt the canonical splice site are expected to result in aberrant splicing. In silico splice site analysis predicts that this alteration will weaken the native splice donor site. A resulting transcript is predicted to be in-frame and is not expected to trigger nonsense-mediated mRNAdecay; although, direct evidence is unavailable. However, the region predicted to be impacted is critical for protein function (Ambry internal data). One functional study found that this nucleotide substitution is non-functional in a high throughput genome editing haploid cell survival assay (Findlay GM et al. Nature, 2018 Oct;562:217-222). This variant is considered to be rare based on population cohorts in the Genome Aggregation Database (gnomAD). This nucleotide position is highly conserved in available vertebrate species. Based on the supporting evidence, this variant is interpreted as a disease-causing mutation.

Brotman Baty Institute, University of Washington
No classification provided (evidence only). Condition: Breast-ovarian cancer, familial 1. Review status: no classification provided. Collection method: in vitro. Allele origin: not applicable. Functional consequence: functionally_abnormal. Not counted in ClinVar's aggregate classification.
ClinVar note: "not provided" was previously submitted as the classification for the variant. However, the classification appeared to be based only on an observation of functional data so it was converted to no classification on 2025-07-30.

ClinVar Staff, National Center for Biotechnology Information (NCBI)
No classification provided. Condition: Familial cancer of breast. Review status: no classification provided. Collection method: literature only. Allele origin: germline. Affected: yes. Not counted in ClinVar's aggregate classification.

Literature cited by the submitters: PubMed 30209399 (cited by Ambry Genetics); PubMed 11802208 (cited by ClinVar Staff, National Center for Biotechnology Information (NCBI)).

NM_007294.4(BRCA1):c.5277+1G>C

Gene: BRCA1 (BRCA1 DNA repair associated; minus strand). Cytogenetic location: 17q21.31.
Variant type: single nucleotide variant.
Coding change: c.5277+1G>C on transcript NM_007294.4 (MANE Select); the canonical splice donor site of the intron after coding-DNA position 5277, G replaced by C.
Molecular consequence: splice donor variant.
Genome position (GRCh38, 1-based): chr17:43,057,051, C>G on the plus strand (G>C on the coding strand, the complement: BRCA1 is on the minus strand). VCF-style: chr17-43057051-C-G. GRCh37 (hg19) VCF-style: chr17-41209068-C-G.
Other names: c.1968+1G>C (NM_001407973.1, NM_001407977.1, NM_001407975.1 and 3 more transcripts); c.5277+1G>C (NM_001407596.1, NM_001407602.1, NM_001407597.1 and 7 more transcripts); c.4389+1G>C (NM_001407966.1); c.4890+1G>C (NM_001407963.1); c.1584+1G>C (NM_001408511.1); c.1827+1G>C (NM_001408457.1, NM_001408454.1, NM_001408456.1 and 3 more transcripts); c.5136+1G>C (NM_001407692.1, NM_001407729.1, NM_001407698.1 and 13 more transcripts); c.4893+1G>C (NM_001407960.1, NM_001407962.1); and 72 more.
Identifiers: ClinVar variation 55494 (VCV000055494.6), dbSNP rs80358150, ClinGen allele CA003420.